The following is an entry in ClinVar:

ClinVar aggregate classification (germline): Uncertain significance (1 of 4 stars; one submission).

gnomAD v4.1: 8 of 1,614,078 alleles (0.0005%); highest among the groups gnomAD compares: Non-Finnish European, 0.00068%; no homozygotes.

Submission:

GeneDx
Classification: Uncertain significance. Last evaluated: 2024-08-23. Review status: criteria provided, single submitter. Criteria: GeneDx Variant Classification Process June 2021. Collection method: clinical testing. Allele origin: germline. Affected: yes.
Comment: In silico analysis indicates that this missense variant does not alter protein structure/function; Has not been previously published as pathogenic or benign to our knowledge

NM_001429.4(EP300):c.5861A>G (p.His1954Arg)

Gene: EP300 (E1A binding protein p300; plus strand). Cytogenetic location: 22q13.2.
Variant type: single nucleotide variant.
Coding change: c.5861A>G on transcript NM_001429.4 (MANE Select); coding-DNA position 5861, A replaced by G.
Protein change: p.His1954Arg; replaces histidine 1954 with arginine.
Molecular consequence: missense variant.
Genome position (GRCh38, 1-based): chr22:41,177,572, A>G. VCF-style: chr22-41177572-A-G. GRCh37 (hg19) VCF-style: chr22-41573576-A-G.
Other names: c.5783A>G, p.His1928Arg (NM_001362843.2); short protein forms H1928R, H1954R.
Identifiers: ClinVar variation 3764424 (VCV003764424.1).
Genomic context (GRCh38, chr22:41,177,572, plus strand): 5'-GAGCAGCGGAGACGCAGCGCCAGATGGCCCACGTGCAAATTTTTCAAAGGCCAATCCAAC[A>G]CCAGATGCCCCCGATGACTCCCATGGCCCCCATGGGTATGAACCCACCTCCCATGACCAG-3'
Protein context (NP_001420.2, residues 1944-1964): HVQIFQRPIQ[His1954Arg]QMPPMTPMAP